The following is an entry in ClinVar:

ClinVar aggregate classification (germline): Benign (0 of 4 stars; one submission).

Conditions:
ALPI-related disorder. Also called: ALPI-related condition.

Allele frequency attached by ClinVar (database versions not stated): ExAC 0.00457; gnomAD 0.01357; TOPMed 0.01481; ESP Exome Variant Server 0.01622; 1000 Genomes Project 30x 0.01936; 1000 Genomes Project 0.01977.
gnomAD v4.1: 4,179 of 1,613,976 alleles (0.26%); highest among the groups gnomAD compares: African/African-American, 4.8%; 75 homozygotes.

Submission:

PreventionGenetics, part of Exact Sciences
Classification: Benign for ALPI-related condition. Last evaluated: 2019-04-04. Review status: no assertion criteria provided. Collection method: clinical testing. Allele origin: germline.
Comment: This variant is classified as benign based on ACMG/AMP sequence variant interpretation guidelines (Richards et al. 2015 PMID: 25741868, with internal and published modifications).

NM_001631.5(ALPI):c.58G>A (p.Val20Ile)

Gene: ALPI (alkaline phosphatase, intestinal; plus strand). Cytogenetic location: 2q37.1.
Variant type: single nucleotide variant.
Coding change: c.58G>A on transcript NM_001631.5 (MANE Select); coding-DNA position 58, G replaced by A.
Protein change: p.Val20Ile; replaces valine 20 with isoleucine.
Molecular consequence: missense variant.
Genome position (GRCh38, 1-based): chr2:232,456,257, G>A. VCF-style: chr2-232456257-G-A. GRCh37 (hg19) VCF-style: chr2-233320967-G-A.
Other names: short protein forms V20I.
Identifiers: ClinVar variation 3038419 (VCV003038419.2), dbSNP rs61736995, ClinGen allele CA2166212.